The following is an entry in ClinVar:

ClinVar aggregate classification (germline): Uncertain significance. Review status: criteria provided, multiple submitters, no conflicts (2 of 4 stars). 2 submissions from 2 submitters: Uncertain significance (2). Last evaluated 2025-06-03.

Conditions:
Familial cancer of breast. Also called: BREAST CANCER, FAMILIAL; hereditary breast carcinoma; Hereditary breast cancer. Identifiers: Orphanet 227535, MedGen C0346153, MONDO:0016419, OMIM 114480. Disease mechanism: loss of function.

Allele frequency attached by ClinVar (database versions not stated): gnomAD exomes 0.00002; ExAC 0.00004.
gnomAD v4.1: 28 of 1,607,496 alleles (0.0017%); highest among the groups gnomAD compares: South Asian, 0.027%; no homozygotes.

Submissions (2):

Ambry Genetics
Classification: Uncertain significance. Last evaluated: 2025-06-03. Review status: criteria provided, single submitter. Criteria: Ambry Variant Classification Scheme 2023. Collection method: clinical testing. Allele origin: germline.

Neuberg Centre For Genomic Medicine, NCGM
Classification: Uncertain significance for Familial cancer of breast. Review status: criteria provided, single submitter. Criteria: ACMG Guidelines, 2015. Collection method: clinical testing. Allele origin: germline. Inheritance: Autosomal dominant inheritance. Affected: yes.
Comment: The above variant has not be reported previously in affected patients.This variant has not been reported to the ClinVar database.The amino acid Glu at position 454 is changed to a Lys changing protein sequence and it might alter its composition and physico-chemical properties. . In silico tools predict the variant to be tolerated. The residue is conserved across species. The amino acid change p.Glu454Lys in HMMR is predicted as conserved by GERP++ and PhyloP across 100 vertebrates. The p.Glu454Lys variant is novel (not in any individuals) in 1000 Genomes. This variant is classified as uncertain significance as per ACMG guidelines.

NM_001142556.2(HMMR):c.1360G>A (p.Glu454Lys)

Gene: HMMR (hyaluronan mediated motility receptor; plus strand). Cytogenetic location: 5q34.
Variant type: single nucleotide variant.
Coding change: c.1360G>A on transcript NM_001142556.2 (MANE Select); coding-DNA position 1360, G replaced by A.
Protein change: p.Glu454Lys; replaces glutamic acid 454 with lysine.
Molecular consequence: missense variant.
Genome position (GRCh38, 1-based): chr5:163,478,775, G>A. VCF-style: chr5-163478775-G-A. GRCh37 (hg19) VCF-style: chr5-162905781-G-A.
Other names: c.1099G>A, p.Glu367Lys (NM_001142557.2); c.1357G>A, p.Glu453Lys (NM_012484.3); c.1312G>A, p.Glu438Lys (NM_012485.3); c.1360G>A (NM_001142556.1); short protein forms E454K, E367K, E438K, E453K.
Identifiers: ClinVar variation 2585330 (VCV002585330.2), dbSNP rs777330187, ClinGen allele CA3545870.